The following is an entry in ClinVar:

ClinVar aggregate classification (germline): Pathogenic (1 of 4 stars; one submission).

Submission:

GeneDx
Classification: Pathogenic. Last evaluated: 2016-03-21. Review status: criteria provided, single submitter. Criteria: GeneDx Variant Classification (06012015). Collection method: clinical testing. Allele origin: germline. Affected: yes.
Comment: The c.1346delT pathogenic variant in the ASXL3 gene has not been reported previously as a pathogenic variant nor as a benign variant, to our knowledge. The c.1346delT variant causes a frameshift starting with codon Valine 449, changes this amino acid to a Glutamic acid residue, and creates a premature Stop codon at position 10 of the new reading frame, denoted p.Val449GlufsX10. This variant is predicted to cause loss of normal protein function either through protein truncation or nonsense-mediated mRNA decay. The c.1346delT variant was not observed in approximately 6000 individuals of European and African American ancestry in the NHLBI Exome Sequencing Project, indicating it is not a common benign variant in these populations. We interpret c.1346delT as a pathogenic variant.

NM_030632.3(ASXL3):c.1346del (p.Val449fs)

Gene: ASXL3 (ASXL transcriptional regulator 3; plus strand). Cytogenetic location: 18q12.1.
Variant type: Deletion.
Coding change: c.1346del on transcript NM_030632.3 (MANE Select); coding-DNA position 1346, one base deleted (T; older notation c.1346delT).
Protein change: p.Val449fs; shifts the reading frame from valine 449.
Molecular consequence: frameshift variant.
Genome position (GRCh38, 1-based): chr18:33,738,750, T deleted. VCF-style (leftmost placement, unchanged base first): chr18-33738749-GT-G. GRCh37 (hg19) VCF-style: chr18-31318713-GT-G.
Other names: short protein forms V449fs.
Identifiers: ClinVar variation 280445 (VCV000280445.2), dbSNP rs886041652, ClinGen allele CA10603337.